The following is an entry in ClinVar:

ClinVar aggregate classification (germline): Conflicting classifications of pathogenicity. Review status: criteria provided, conflicting classifications (1 of 4 stars). 2 submissions from 2 submitters: Uncertain significance (1); Likely benign (1). Last evaluated 2026-03-13.

Conditions:
KBG syndrome (KBGS). Also called: ANKRD11-Related KBG Syndrome. Identifiers: Orphanet 2332, MedGen C0220687, MONDO:0007846, OMIM 148050.

Allele frequency attached by ClinVar (database versions not stated): gnomAD exomes 0.00003 and 0.00005; ExAC 0.00004; TOPMed 0.00009; gnomAD 0.00011.
gnomAD v4.1: 59 of 1,610,602 alleles (0.0037%); highest among the groups gnomAD compares: Admixed American, 0.042%; no homozygotes.

Submissions (2):

Women's Health and Genetics/Laboratory Corporation of America, LabCorp
Classification: Likely benign. Last evaluated: 2026-03-13. Review status: criteria provided, single submitter. Criteria: LabCorp Variant Classification Summary - May 2015. Collection method: clinical testing. Allele origin: germline.
Comment: Variant summary: ANKRD11 c.6571C>T (p.Pro2191Ser) results in a non-conservative amino acid change in the encoded protein sequence. Algorithms developed to predict the effect of missense changes on protein structure and function are either unavailable or do not agree on the potential impact of this missense change. The variant allele was found at a frequency of 4.6e-05 in 238724 control chromosomes. The observed variant frequency exceeds the estimated maximal expected allele frequency for disease-causing variants in ANKRD11. To our knowledge, no occurrence of c.6571C>T in individuals affected with ANKRD11-related conditions and no experimental evidence demonstrating its impact on protein function have been reported. ClinVar contains an entry for this variant (Variation ID: 836606). Based on the evidence outlined above, the variant was classified as likely benign.

Labcorp Genetics (formerly Invitae), Labcorp
Classification: Uncertain significance for KBG syndrome. Last evaluated: 2025-10-01. Review status: criteria provided, single submitter. Criteria: Invitae Variant Classification Sherloc (09022015). Collection method: clinical testing. Allele origin: germline.
Comment: This sequence change replaces proline, which is neutral and non-polar, with serine, which is neutral and polar, at codon 2191 of the ANKRD11 protein (p.Pro2191Ser). This variant is present in population databases (rs757615498, gnomAD 0.02%). This variant has not been reported in the literature in individuals affected with ANKRD11-related conditions. ClinVar contains an entry for this variant (Variation ID: 836606). Invitae Evidence Modeling of protein sequence and biophysical properties (such as structural, functional, and spatial information, amino acid conservation, physicochemical variation, residue mobility, and thermodynamic stability) indicates that this missense variant is not expected to disrupt ANKRD11 protein function with a negative predictive value of 95%. In summary, the available evidence is currently insufficient to determine the role of this variant in disease. Therefore, it has been classified as a Variant of Uncertain Significance.

NM_013275.6(ANKRD11):c.6571C>T (p.Pro2191Ser)

Gene: ANKRD11 (ankyrin repeat domain 11; minus strand). Cytogenetic location: 16q24.3.
Variant type: single nucleotide variant.
Coding change: c.6571C>T on transcript NM_013275.6 (MANE Select); coding-DNA position 6571, C replaced by T.
Protein change: p.Pro2191Ser; replaces proline 2191 with serine.
Molecular consequence: missense variant.
Genome position (GRCh38, 1-based): chr16:89,279,971, G>A on the plus strand (C>T on the coding strand, the complement: ANKRD11 is on the minus strand). VCF-style: chr16-89279971-G-A. GRCh37 (hg19) VCF-style: chr16-89346379-G-A.
Other names: c.6571C>T, p.Pro2191Ser (NM_001256182.2, NM_001256183.2); short protein forms P2191S.
Identifiers: ClinVar variation 836606 (VCV000836606.8), dbSNP rs757615498, ClinGen allele CA8241398.